The following is an entry in ClinVar:

ClinVar aggregate classification (germline): Conflicting classifications of pathogenicity. Review status: criteria provided, conflicting classifications (1 of 4 stars). 3 submissions from 3 submitters: Uncertain significance (2); Likely benign (1). Last evaluated 2026-06-01.

Allele frequency attached by ClinVar (database versions not stated): ExAC 0.00001; TOPMed 0.00003; gnomAD 0.00004; gnomAD exomes 0.00009.
gnomAD v4.1: 136 of 1,614,102 alleles (0.0084%); highest among the groups gnomAD compares: Non-Finnish European, 0.011%; no homozygotes.

Submissions (3):

CeGaT Center for Human Genetics Tuebingen
Classification: Likely benign. Last evaluated: 2026-06-01. Review status: criteria provided, single submitter. Criteria: CeGaT Center For Human Genetics Tuebingen Variant Classification Criteria Version 2. Collection method: clinical testing. Allele origin: germline. Affected: yes. Observed: 1 variant allele.
Comment: NFE2L2: BP4

Labcorp Genetics (formerly Invitae), Labcorp
Classification: Uncertain significance. Last evaluated: 2025-07-19. Review status: criteria provided, single submitter. Criteria: Invitae Variant Classification Sherloc (09022015). Collection method: clinical testing. Allele origin: germline.
Comment: This sequence change replaces aspartic acid, which is acidic and polar, with alanine, which is neutral and non-polar, at codon 274 of the NFE2L2 protein (p.Asp274Ala). This variant is present in population databases (rs756141259, gnomAD 0.005%). This variant has not been reported in the literature in individuals affected with NFE2L2-related conditions. ClinVar contains an entry for this variant (Variation ID: 2712309). An algorithm developed to predict the effect of missense changes on protein structure and function (PolyPhen-2) suggests that this variant is likely to be tolerated. In summary, the available evidence is currently insufficient to determine the role of this variant in disease. Therefore, it has been classified as a Variant of Uncertain Significance.

Ambry Genetics
Classification: Uncertain significance. Last evaluated: 2024-11-21. Review status: criteria provided, single submitter. Criteria: Ambry Variant Classification Scheme 2023. Collection method: clinical testing. Allele origin: germline.

NM_006164.5(NFE2L2):c.821A>C (p.Asp274Ala)

Gene: NFE2L2 (NFE2 like bZIP transcription factor 2; minus strand). Cytogenetic location: 2q31.2.
Variant type: single nucleotide variant.
Coding change: c.821A>C on transcript NM_006164.5 (MANE Select); coding-DNA position 821, A replaced by C.
Protein change: p.Asp274Ala; replaces aspartic acid 274 with alanine.
Molecular consequence: missense variant.
Genome position (GRCh38, 1-based): chr2:177,231,782, T>G on the plus strand (A>C on the coding strand, the complement: NFE2L2 is on the minus strand). VCF-style: chr2-177231782-T-G. GRCh37 (hg19) VCF-style: chr2-178096510-T-G.
Other names: c.821A>C (NM_006164.3); c.773A>C, p.Asp258Ala (NM_001145412.3, NM_001313900.1, NM_001313901.1); c.752A>C, p.Asp251Ala (NM_001145413.3); c.731A>C, p.Asp244Ala (NM_001313902.2); c.602A>C, p.Asp201Ala (NM_001313903.2); c.521A>C, p.Asp174Ala (NM_001313904.1); short protein forms D174A, D258A, D274A, D201A, D244A, D251A.
Identifiers: ClinVar variation 2712309 (VCV002712309.6), dbSNP rs756141259, ClinGen allele CA1979786.